The following is an entry in ClinVar:

NM_170665.4(ATP2A2):c.-161G>A

Gene: ATP2A2 (ATPase sarcoplasmic/endoplasmic reticulum Ca2+ transporting 2; plus strand). Cytogenetic location: 12q24.11.
Variant type: single nucleotide variant.
Coding change: c.-161G>A on transcript NM_170665.4 (MANE Select); 161 bases upstream of the start codon, G replaced by A.
Molecular consequence: 5 prime UTR variant. On other transcripts: intron variant (1).
Genome position (GRCh38, 1-based): chr12:110,281,629, G>A. VCF-style: chr12-110281629-G-A. GRCh37 (hg19) VCF-style: chr12-110719434-G-A.
Other names: c.-161G>A (NM_001413013.1, NM_001413014.1, NM_001681.4); c.-258+665G>A (NM_001413015.1).
Identifiers: ClinVar variation 3359243 (VCV003359243.2).

ClinVar aggregate classification (germline): Uncertain significance (0 of 4 stars; one submission).

Conditions:
Keratosis follicularis (DAR). Also called: Darier disease; Darier's disease. Identifiers: Orphanet 218, MedGen C0022595, MONDO:0007417, OMIM 124200.

Submission:

Medical Genetics Unit, Mauro Baschirotto Institute for Rare Disease
Classification: Uncertain significance for Keratosis follicularis. Last evaluated: 2024-06-07. Review status: no assertion criteria provided. Collection method: provider interpretation. Allele origin: germline. Affected: yes. Observed: 1 variant allele.
Comment: The c.-161G>A variant has not been published as a pathogenic variant, nor has it been reported as a benign variant to our knowledge. This variant occurs in the 5' UTR of ATP2A2. To our knowledge, this variant has not been reported in the literature or in a large population database, indicating this variant is rare (PM2 moderate) according to Franklin by genoox. Therefore, this variant is classified variant of uncertain significance. Although this variant has not been previously reported to our knowledge, the possibility that it is benign or pathogenic cannot be excluded.